The following is an entry in ClinVar:

ClinVar aggregate classification (germline): Pathogenic (1 of 4 stars; one submission).

Conditions:
Hemolytic uremic syndrome, atypical, susceptibility to, 1. Also called: AHUS, SUSCEPTIBILITY TO, 1. Identifiers: Orphanet 2134, Orphanet 90038, MedGen C2749604, MONDO:0009335, OMIM 235400. Disease mechanism: Other.

Submission:

MVZ Medizinische Genetik Mainz
Classification: Pathogenic for Hemolytic uremic syndrome, atypical, susceptibility to, 1. Last evaluated: 2026-04-22. Review status: criteria provided, single submitter. Criteria: UK Practice Guidelines For Variant Classification V4 01 2020. Collection method: clinical testing. Allele origin: germline. Inheritance: Autosomal dominant inheritance. Affected: yes. Observed: 1 variant allele.
Comment: ACMG Criteria: PVS1,PS4_SUP,PM2_SUP,PP4

NM_000186.4(CFH):c.2787del (p.Pro930fs)

Gene: CFH (complement factor H; plus strand). Cytogenetic location: 1q31.3.
Variant type: Deletion.
Coding change: c.2787del on transcript NM_000186.4 (MANE Select); coding-DNA position 2787, one base deleted (T; older notation c.2787delT).
Protein change: p.Pro930fs; shifts the reading frame from proline 930.
Molecular consequence: frameshift variant.
Genome position (GRCh38, 1-based): chr1:196,740,623, T deleted; the last of 2 consecutive T bases (chr1:196,740,622-196,740,623); deleting either gives the same sequence. VCF-style (leftmost placement, unchanged base first): chr1-196740621-CT-C. GRCh37 (hg19) VCF-style: chr1-196709751-CT-C.
Other names: short protein forms P930fs.
Identifiers: ClinVar variation 5038137 (VCV005038137.1).
Genomic context (GRCh38, chr1:196,740,621, plus strand): 5'-GGCATATAAAATTAAATTTATGAGTTAGTGAAACCTGAATTCATTCTTTTTTTTTTAGGC[CT>C]TCCTTGTAAATCTCCACCTGAGATTTCTCATGGTGTTGTAGCTCACATGTCAGACAGTTA-3'